The following is an entry in ClinVar:

ClinVar aggregate classification (germline): Uncertain significance. Review status: criteria provided, multiple submitters, no conflicts (2 of 4 stars). 2 submissions from 2 submitters: Uncertain significance (2). Last evaluated 2026-02-11.

Conditions:
BAP1-related tumor predisposition syndrome (TPDS1). Also called: Tumor susceptibility linked to germline BAP1 mutations; BAP1 tumor predisposition syndrome; TUMOR PREDISPOSITION SYNDROME 1; COMMON Syndrome. Identifiers: Orphanet 289539, MedGen C3280492, MONDO:0013692, OMIM 614327.
Hereditary cancer-predisposing syndrome. Also called: Tumor predisposition; Hereditary neoplastic syndrome; Hereditary Cancer Syndrome; Neoplastic Syndromes, Hereditary. Identifiers: Orphanet 140162, MedGen C0027672, MeSH D009386, MONDO:0015356.

Submissions (2):

St. Jude Molecular Pathology, St. Jude Children's Research Hospital
Classification: Uncertain significance for BAP1-related tumor predisposition syndrome. Last evaluated: 2026-02-11. Review status: criteria provided, single submitter. Criteria: St. Jude Assertion Criteria 2020. Collection method: clinical testing. Allele origin: germline.
Comment: The BAP1 c.1656T>A p.(Asp552Glu) missense change is absent in gnomAD v2.1.1. The in silico tool REVEL predicts a benign effect on protein function, but to our knowledge this prediction has not been confirmed by functional studies. To our knowledge, this variant has not been reported in the literature in individuals with BAP1-related tumor predisposition syndrome. In summary, the evidence currently available is insufficient to determine the clinical significance of this variant. It has therefore been classified as of uncertain significance.

Ambry Genetics
Classification: Uncertain significance for Hereditary cancer-predisposing syndrome. Last evaluated: 2024-01-28. Review status: criteria provided, single submitter. Criteria: Ambry Variant Classification Scheme 2023. Collection method: clinical testing. Allele origin: germline.
Comment: The p.D552E variant (also known as c.1656T>A), located in coding exon 13 of the BAP1 gene, results from a T to A substitution at nucleotide position 1656. The aspartic acid at codon 552 is replaced by glutamic acid, an amino acid with highly similar properties. This amino acid position is conserved. In addition, this alteration is predicted to be tolerated by in silico analysis. Based on the available evidence, the clinical significance of this alteration remains unclear.

NM_004656.4(BAP1):c.1656T>A (p.Asp552Glu)

Gene: BAP1 (BRCA1 associated deubiquitinase 1; minus strand). Cytogenetic location: 3p21.1.
Variant type: single nucleotide variant.
Coding change: c.1656T>A on transcript NM_004656.4 (MANE Select); coding-DNA position 1656, T replaced by A.
Protein change: p.Asp552Glu; replaces aspartic acid 552 with glutamic acid.
Molecular consequence: missense variant.
Genome position (GRCh38, 1-based): chr3:52,403,489, A>T on the plus strand (T>A on the coding strand, the complement: BAP1 is on the minus strand). VCF-style: chr3-52403489-A-T. GRCh37 (hg19) VCF-style: chr3-52437505-A-T.
Other names: c.1602T>A, p.Asp534Glu (NM_001410772.1); short protein forms D534E, D552E.
Identifiers: ClinVar variation 3224436 (VCV003224436.2), dbSNP rs778423438, ClinGen allele CA353100077.